The following is an entry in ClinVar:

ClinVar aggregate classification (germline): Pathogenic (1 of 4 stars; one submission).

Conditions:
Intellectual developmental disorder, autosomal dominant 29. Also called: SETBP1 Haploinsufficiency Disorder; Intellectual disability, autosomal dominant 29. Identifiers: Orphanet 436151, MedGen C4015141, MONDO:0014482, OMIM 616078.

Submission:

Molecular Genetics Laboratory, Motol Hospital
Classification: Pathogenic for Intellectual developmental disorder, autosomal dominant 29. Last evaluated: 2024-12-06. Review status: criteria provided, single submitter. Criteria: ACMG Guidelines, 2015. Collection method: clinical testing. Allele origin: de novo. Affected: yes. Observed: 1 variant allele.
Comment: The variant was confirmed to be of a de novo origin. Rare loss-of-function truncating variants affecting the SETBP1 gene are documented as a molecular cause of autosomal dominant "intellectual developmental disorder-29" (MRD29, OMIM:616078) (PMID:21037274;22333924;23020937;33907317). To conclude, the variant is classified as pathogenic (ACMG PVS1, PS2, PM2).

Literature cited by the submitters: PubMed 21037274; PubMed 22333924; PubMed 23020937; PubMed 33907317.

NM_015559.3(SETBP1):c.1593del (p.Arg531fs)

Gene: SETBP1 (SET binding protein 1; plus strand). Cytogenetic location: 18q12.3.
Variant type: Deletion.
Coding change: c.1593del on transcript NM_015559.3 (MANE Select); coding-DNA position 1593, one base deleted (G; older notation c.1593delG).
Protein change: p.Arg531fs; shifts the reading frame from arginine 531.
Molecular consequence: frameshift variant.
Genome position (GRCh38, 1-based): chr18:44,950,933, G deleted; the last of 2 consecutive G bases (chr18:44,950,932-44,950,933); deleting either gives the same sequence. VCF-style (leftmost placement, unchanged base first): chr18-44950931-AG-A. GRCh37 (hg19) VCF-style: chr18-42530896-AG-A.
Other names: c.1593del, p.Arg531fs (NM_001379141.1, NM_001379142.1, NM_001410862.1); short protein forms R531fs.
Identifiers: ClinVar variation 3383975 (VCV003383975.2).
Genomic context (GRCh38, chr18:44,950,931, plus strand): 5'-GATCACTCTCCATCCAGAAAGCTGCCAGAAATCCAGCATCCAAAATTTGCTGCAAAACGA[AG>A]GTGGACTTGCAGCAAACCAAAACCTAGCACCATGCTTCGAGAGGCAGTTATGGCCACCTC-3'